The following is an entry in ClinVar:

ClinVar aggregate classification (germline): Uncertain significance (1 of 4 stars; one submission).

gnomAD v4.1: 1 of 1,614,184 alleles (0.000062%); highest among the groups gnomAD compares: South Asian, 0.0011%; no homozygotes.

Submission:

GeneDx
Classification: Uncertain significance. Last evaluated: 2025-07-26. Review status: criteria provided, single submitter. Criteria: GeneDx Variant Classification Process June 2021. Collection method: clinical testing. Allele origin: germline. Affected: yes.
Comment: Not observed at significant frequency in large population cohorts (gnomAD); In silico analysis supports that this missense variant has a deleterious effect on protein structure/function; Has not been previously published as pathogenic or benign to our knowledge

NM_003660.4(PPFIA3):c.2941G>A (p.Ala981Thr)

Gene: PPFIA3 (PPFI scaffold protein A3; plus strand). Cytogenetic location: 19q13.33.
Variant type: single nucleotide variant.
Coding change: c.2941G>A on transcript NM_003660.4 (MANE Select); coding-DNA position 2941, G replaced by A.
Protein change: p.Ala981Thr; replaces alanine 981 with threonine.
Molecular consequence: missense variant. On other transcripts: non-coding transcript variant (1).
Genome position (GRCh38, 1-based): chr19:49,148,188, G>A. VCF-style: chr19-49148188-G-A. GRCh37 (hg19) VCF-style: chr19-49651445-G-A.
Other names: short protein forms A981T.
Identifiers: ClinVar variation 4687104 (VCV004687104.1).
Genomic context (GRCh38, chr19:49,148,188, plus strand): 5'-TGGCTGCCCAGCCTGGGGCTGCCCCAATACCGCAGCTACTTCATGGAGTCGCTGGTGGAC[G>A]CTCGAATGTTAGATCACCTTAACAAGAAGGAGCTCCGGGGCCAACTCAAGATGGTGGACA-3'
Protein context (NP_003651.1, residues 971-991): RSYFMESLVD[Ala981Thr]RMLDHLNKKE